The following is an entry in ClinVar:

ClinVar aggregate classification (germline): Uncertain significance (1 of 4 stars; one submission).

Conditions:
Kleefstra syndrome 1 (KLEFS1). Identifiers: Orphanet 261494, MedGen C0795833, MONDO:0027407, OMIM 610253.

Submission:

Labcorp Genetics (formerly Invitae), Labcorp
Classification: Uncertain significance for Kleefstra syndrome 1. Last evaluated: 2024-09-06. Review status: criteria provided, single submitter. Criteria: Invitae Variant Classification Sherloc (09022015). Collection method: clinical testing. Allele origin: germline.
Comment: This sequence change replaces glutamine, which is neutral and polar, with histidine, which is basic and polar, at codon 133 of the EHMT1 protein (p.Gln133His). This variant is not present in population databases (gnomAD no frequency). This variant has not been reported in the literature in individuals affected with EHMT1-related conditions. An algorithm developed to predict the effect of missense changes on protein structure and function (PolyPhen-2) suggests that this variant is likely to be tolerated. In summary, the available evidence is currently insufficient to determine the role of this variant in disease. Therefore, it has been classified as a Variant of Uncertain Significance.

NM_024757.5(EHMT1):c.399G>C (p.Gln133His)

Gene: EHMT1 (euchromatic histone lysine methyltransferase 1; plus strand). Cytogenetic location: 9q34.3.
Variant type: single nucleotide variant.
Coding change: c.399G>C on transcript NM_024757.5 (MANE Select); coding-DNA position 399, G replaced by C.
Protein change: p.Gln133His; replaces glutamine 133 with histidine.
Molecular consequence: missense variant.
Genome position (GRCh38, 1-based): chr9:137,716,939, G>C. VCF-style: chr9-137716939-G-C. GRCh37 (hg19) VCF-style: chr9-140611391-G-C.
Other names: c.399G>C, p.Gln133His (NM_001145527.2, NM_001354263.2, NM_001354611.2); c.306G>C, p.Gln102His (NM_001354259.2, NM_001354612.2); short protein forms Q102H, Q133H.
Identifiers: ClinVar variation 3715211 (VCV003715211.2).